The following is an entry in ClinVar:

NM_173630.4(RTTN):c.375C>T (p.Ala125=)

Gene: RTTN (rotatin; minus strand). Cytogenetic location: 18q22.2.
Variant type: single nucleotide variant.
Coding change: c.375C>T on transcript NM_173630.4 (MANE Select); coding-DNA position 375, C replaced by T.
Protein change: p.Ala125=; no amino-acid change (alanine 125 retained).
Molecular consequence: synonymous variant. On other transcripts: 5 prime UTR variant (1).
Genome position (GRCh38, 1-based): chr18:70,204,108, G>A on the plus strand (C>T on the coding strand, the complement: RTTN is on the minus strand). VCF-style: chr18-70204108-G-A. GRCh37 (hg19) VCF-style: chr18-67871344-G-A.
Other names: c.-2179C>T (NM_001318520.2).
Identifiers: ClinVar variation 4534352 (VCV004534352.6).
Genomic context (GRCh38, chr18:70,204,108, plus strand): 5'-ATTAATATATTTGTATTTAACAGATTCCAAAGAGTTACCAGTTTGATTGGTTTGGTATGA[G>A]GCAGAAGATAGTGCAGGAACTTCCGAAGGAAGAAGAAAAAGTCCATCCAGAATGCCATCA-3'
Protein context (NP_775901.3, residues 115-135): LPSEVPALSS[Ala125=]SYQTNQTELS

ClinVar aggregate classification (germline): Likely benign (1 of 4 stars; one submission).

gnomAD v4.1: 21 of 1,612,218 alleles (0.0013%); highest among the groups gnomAD compares: Admixed American, 0.0033%; no homozygotes.

Submission:

CeGaT Center for Human Genetics Tuebingen
Classification: Likely benign. Last evaluated: 2025-10-01. Review status: criteria provided, single submitter. Criteria: CeGaT Center For Human Genetics Tuebingen Variant Classification Criteria Version 2. Collection method: clinical testing. Allele origin: germline. Affected: yes. Observed: 1 variant allele.
Comment: RTTN: BP4, BP7